The following is an entry in ClinVar:

NM_001267052.2(UNC45B):c.835A>T (p.Thr279Ser)

Gene: UNC45B (unc-45 myosin chaperone B; plus strand). Cytogenetic location: 17q12.
Variant type: single nucleotide variant.
Coding change: c.835A>T on transcript NM_001267052.2 (MANE Select); coding-DNA position 835, A replaced by T.
Protein change: p.Thr279Ser; replaces threonine 279 with serine.
Molecular consequence: missense variant.
Genome position (GRCh38, 1-based): chr17:35,159,401, A>T. VCF-style: chr17-35159401-A-T. GRCh37 (hg19) VCF-style: chr17-33486420-A-T.
Other names: c.835A>T, p.Thr279Ser (NM_001033576.2, NM_001308281.1, NM_173167.3); short protein forms T279S.
Identifiers: ClinVar variation 4987159 (VCV004987159.1).

ClinVar aggregate classification (germline): Uncertain significance (1 of 4 stars; one submission).

Conditions:
UNC45B-related disorder. Also called: UNC45B-related condition.

gnomAD v4.1: 2 of 1,613,800 alleles (0.00012%); highest among the groups gnomAD compares: Non-Finnish European, 0.00017%; no homozygotes.

Submission:

PreventionGenetics, part of Exact Sciences
Classification: Uncertain significance for UNC45B-related condition. Last evaluated: 2026-05-06. Review status: criteria provided, single submitter. Criteria: ACMG Guidelines, 2015. Collection method: clinical testing. Allele origin: germline.
Comment: The UNC45B c.835A>T variant is predicted to result in the amino acid substitution p.Thr279Ser. To our knowledge, this variant has not been reported in the literature or in a large population database (gnomAD), indicating this variant is rare. At this time, the clinical significance of this variant is uncertain due to the absence of conclusive functional and genetic evidence.